The following is an entry in ClinVar:

NM_000020.3(ACVRL1):c.1221G>T (p.Glu407Asp)

Gene: ACVRL1 (activin A receptor like type 1; plus strand). Cytogenetic location: 12q13.13.
Variant type: single nucleotide variant.
Coding change: c.1221G>T on transcript NM_000020.3 (MANE Select); coding-DNA position 1221, G replaced by T.
Protein change: p.Glu407Asp; replaces glutamic acid 407 with aspartic acid.
Molecular consequence: missense variant.
Genome position (GRCh38, 1-based): chr12:51,916,208, G>T. VCF-style: chr12-51916208-G-T. GRCh37 (hg19) VCF-style: chr12-52309992-G-T.
Other names: c.1221G>T, p.Glu407Asp (NM_001077401.2); short protein forms E407D.
Identifiers: ClinVar variation 585303 (VCV000585303.41), dbSNP rs1565595129, ClinGen allele CA384903002.
Genomic context (GRCh38, chr12:51,916,208, plus strand): 5'-GGACTGCTTTGAGTCCTACAAGTGGACTGACATCTGGGCCTTTGGCCTGGTGCTGTGGGA[G>T]ATTGCCCGCCGGACCATCGTGAATGGTGAGGGCCCACCCTACACAGGGTAGGGAAAGGGG-3'
Protein context (NP_000011.2, residues 397-417): DIWAFGLVLW[Glu407Asp]IARRTIVNGI

ClinVar aggregate classification (germline): Pathogenic. Review status: criteria provided, multiple submitters, no conflicts (2 of 4 stars). 5 submissions from 5 submitters: Pathogenic (5). Last evaluated 2026-01-25.

Conditions:
Cardiovascular phenotype. Identifiers: MedGen CN230736.
Telangiectasia, hereditary hemorrhagic, type 2 (HHT2). Also called: Telangiectasia, hereditary hemorrhagic, type II; ACVRL1-Related Hereditary Hemorrhagic Telangiectasia. Identifiers: Orphanet 774, MedGen C1838163, MONDO:0010880, OMIM 600376. Disease mechanism: loss of function.

Submissions (5):

Labcorp Genetics (formerly Invitae), Labcorp
Classification: Pathogenic for Telangiectasia, hereditary hemorrhagic, type 2. Last evaluated: 2026-01-25. Review status: criteria provided, single submitter. Criteria: Invitae Variant Classification Sherloc (09022015). Collection method: clinical testing. Allele origin: germline.
Comment: This sequence change replaces glutamic acid, which is acidic and polar, with aspartic acid, which is acidic and polar, at codon 407 of the ACVRL1 protein (p.Glu407Asp). This variant is not present in population databases (gnomAD no frequency). This missense change has been observed in individuals with hereditary hemorrhagic telangiectasia (PMID: 10767348, 15712270, 18498373, 23722869). ClinVar contains an entry for this variant (Variation ID: 585303). Invitae Evidence Modeling of protein sequence and biophysical properties (such as structural, functional, and spatial information, amino acid conservation, physicochemical variation, residue mobility, and thermodynamic stability) indicates that this missense variant is expected to disrupt ACVRL1 protein function with a positive predictive value of 95%. This variant disrupts the p.Glu407 amino acid residue in ACVRL1. Other variant(s) that disrupt this residue have been determined to be pathogenic (PMID: 18495117). This suggests that this residue is clinically significant, and that variants that disrupt this residue are likely to be disease-causing. For these reasons, this variant has been classified as Pathogenic.

Mayo Clinic Laboratories, Mayo Clinic
Classification: Pathogenic. Last evaluated: 2025-10-31. Review status: criteria provided, single submitter. Criteria: ACMG Guidelines, 2015. Collection method: clinical testing. Allele origin: germline. Observed: 1 variant allele.
Comment: PP1_strong, PP3, PM2_supporting, PS4

Ambry Genetics
Classification: Pathogenic for Cardiovascular phenotype. Last evaluated: 2024-05-22. Review status: criteria provided, single submitter. Criteria: Ambry Variant Classification Scheme 2023. Collection method: clinical testing. Allele origin: germline.
Comment: The p.E407D pathogenic mutation (also known as c.1221G>T), located in coding exon 7 of the ACVRL1 gene, results from a G to T substitution at nucleotide position 1221. The glutamic acid at codon 407 is replaced by aspartic acid, an amino acid with highly similar properties. This variant has been described in several individuals and families with a clinical diagnosis of hereditary hemorrhagic telangiectasia (HHT) (Abdalla SA et al. Hum. Mol. Genet., 2000 May;9:1227-37; Canzonieri C et al. Genet. Med., 2014 Jan;16:3-10; Kuehl HK et al. Hum. Mutat., 2005 Mar;25:320). Based on internal structural analysis, this variant is anticipated to result in a significant decrease in structural stability (Kerr G et al. Angiogenesis. 2015 Apr;18(2):209-17). This variant was not reported in population-based cohorts in the Genome Aggregation Database (gnomAD). In addition, this alteration is predicted to be deleterious by in silico analysis. Based on the supporting evidence, this alteration is interpreted as a disease-causing mutation.

CeGaT Center for Human Genetics Tuebingen
Classification: Pathogenic. Last evaluated: 2022-12-01. Review status: criteria provided, single submitter. Criteria: CeGaT Center For Human Genetics Tuebingen Variant Classification Criteria Version 2. Collection method: clinical testing. Allele origin: germline. Affected: yes. Observed: 1 variant allele.
Comment: ACVRL1: PM1, PM2, PM5, PS4:Moderate, PP1, PP3

Molecular Diagnostics Laboratory, M Health Fairview: University of Minnesota
Classification: Pathogenic for Telangiectasia, hereditary hemorrhagic, type 2. Last evaluated: 2017-02-23. Review status: criteria provided, single submitter. Criteria: ACMG Guidelines, 2015. Collection method: clinical testing. Allele origin: germline. Affected: yes. Observed: 1 variant allele. Segregation with disease observed.

Literature cited by the submitters: PubMed 10767348 (cited by 4 submitters); PubMed 15712270 (cited by 3 submitters); PubMed 18498373 (cited by Labcorp Genetics (formerly Invitae), Labcorp and Mayo Clinic Laboratories, Mayo Clinic); PubMed 23722869 (cited by 3 submitters); PubMed 18495117 (cited by 3 submitters); PubMed 12700602 (cited by Molecular Diagnostics Laboratory, M Health Fairview: University of Minnesota); PubMed 12843319 (cited by Molecular Diagnostics Laboratory, M Health Fairview: University of Minnesota).